The following is an entry in ClinVar:

NM_006904.7(PRKDC):c.4137C>T (p.Pro1379=)

Gene: PRKDC (protein kinase, DNA-activated, catalytic subunit; minus strand). Cytogenetic location: 8q11.21.
Variant type: single nucleotide variant.
Coding change: c.4137C>T on transcript NM_006904.7 (MANE Select); coding-DNA position 4137, C replaced by T.
Protein change: p.Pro1379=; no amino-acid change (proline 1379 retained).
Molecular consequence: synonymous variant.
Genome position (GRCh38, 1-based): chr8:47,889,157, G>A on the plus strand (C>T on the coding strand, the complement: PRKDC is on the minus strand). VCF-style: chr8-47889157-G-A. GRCh37 (hg19) VCF-style: chr8-48801718-G-A.
Other names: c.4137C>T, p.Pro1379= (NM_001081640.2).
Identifiers: ClinVar variation 390325 (VCV000390325.12), dbSNP rs189680139, ClinGen allele CA4740994.

ClinVar aggregate classification (germline): Benign/Likely benign. Review status: criteria provided, multiple submitters, no conflicts (2 of 4 stars). 2 submissions from 2 submitters: Benign (1); Likely benign (1). Last evaluated 2026-01-19.

Conditions:
Severe combined immunodeficiency due to DNA-PKcs deficiency. Also called: IMMUNODEFICIENCY 26 WITH NEUROLOGIC ABNORMALITIES; Immunodeficiency 26 with or without neurologic abnormalities. Identifiers: Orphanet 317425, MedGen C4014833, MONDO:0014423, OMIM 615966.

Allele frequency attached by ClinVar (database versions not stated): gnomAD 0.00010 and 0.00011; gnomAD exomes 0.00018; TOPMed 0.00036; 1000 Genomes Project 0.00040; 1000 Genomes Project 30x 0.00047.
gnomAD v4.1: 278 of 1,613,900 alleles (0.017%); highest among the groups gnomAD compares: Admixed American, 0.43%; 3 homozygotes.

Submissions (2):

Labcorp Genetics (formerly Invitae), Labcorp
Classification: Benign for Severe combined immunodeficiency due to DNA-PKcs deficiency. Last evaluated: 2026-01-19. Review status: criteria provided, single submitter. Criteria: Invitae Variant Classification Sherloc (09022015). Collection method: clinical testing. Allele origin: germline.

GeneDx
Classification: Likely benign. Last evaluated: 2016-11-01. Review status: criteria provided, single submitter. Criteria: GeneDx Variant Classification (06012015). Collection method: clinical testing. Allele origin: germline. Affected: yes.
Comment: This variant is considered likely benign or benign based on one or more of the following criteria: it is a conservative change, it occurs at a poorly conserved position in the protein, it is predicted to be benign by multiple in silico algorithms, and/or has population frequency not consistent with disease.